The following is an entry in ClinVar:

NM_025009.5(CEP135):c.548G>A (p.Ser183Asn)

Gene: CEP135 (centrosomal protein 135; plus strand). Cytogenetic location: 4q12.
Variant type: single nucleotide variant.
Coding change: c.548G>A on transcript NM_025009.5 (MANE Select); coding-DNA position 548, G replaced by A.
Protein change: p.Ser183Asn; replaces serine 183 with asparagine.
Molecular consequence: missense variant.
Genome position (GRCh38, 1-based): chr4:55,957,298, G>A. VCF-style: chr4-55957298-G-A. GRCh37 (hg19) VCF-style: chr4-56823464-G-A.
Other names: short protein forms S183N.
Identifiers: ClinVar variation 3689138 (VCV003689138.2).

ClinVar aggregate classification (germline): Uncertain significance (1 of 4 stars; one submission).

gnomAD v4.1: 4 of 1,614,104 alleles (0.00025%); highest among the groups gnomAD compares: Non-Finnish European, 0.00025%; no homozygotes.

Submission:

Labcorp Genetics (formerly Invitae), Labcorp
Classification: Uncertain significance. Last evaluated: 2024-04-13. Review status: criteria provided, single submitter. Criteria: Invitae Variant Classification Sherloc (09022015). Collection method: clinical testing. Allele origin: germline.
Comment: This sequence change replaces serine, which is neutral and polar, with asparagine, which is neutral and polar, at codon 183 of the CEP135 protein (p.Ser183Asn). This variant is present in population databases (no rsID available, gnomAD 0.0009%). This variant has not been reported in the literature in individuals affected with CEP135-related conditions. An algorithm developed to predict the effect of missense changes on protein structure and function (PolyPhen-2) suggests that this variant is likely to be tolerated. In summary, the available evidence is currently insufficient to determine the role of this variant in disease. Therefore, it has been classified as a Variant of Uncertain Significance.